The following is an entry in ClinVar:

ClinVar aggregate classification (germline): Uncertain significance (1 of 4 stars; one submission).

Conditions:
Perry syndrome. Also called: PARKINSONISM WITH ALVEOLAR HYPOVENTILATION AND MENTAL DEPRESSION. Identifiers: Orphanet 178509, MedGen C1868594, MONDO:0008201, OMIM 168605.
Neuronopathy, distal hereditary motor, type 7B. Also called: Distal Hereditary Motor Neuronopathy Type 7B (dHMN7B); NEURONOPATHY, DISTAL HEREDITARY MOTOR, AUTOSOMAL DOMINANT 14; NEURONOPATHY, DISTAL HEREDITARY MOTOR, HARDING TYPE VIIB; NEUROPATHY, DISTAL HEREDITARY MOTOR, HARDING TYPE VIIB; NEUROPATHY, DISTAL HEREDITARY MOTOR, WITH VOCAL CORD PARALYSIS, HARDING TYPE VIIB; HMN VIIB. Identifiers: Orphanet 139589, MedGen C1843315, MONDO:0011879, OMIM 607641.
Amyotrophic lateral sclerosis type 1 (ALS1). Also called: AMYOTROPHIC LATERAL SCLEROSIS 1, FAMILIAL. Identifiers: Orphanet 803, MedGen C1862939, MONDO:0007103, OMIM 105400.

gnomAD v4.1: 12 of 1,600,784 alleles (0.00075%); highest among the groups gnomAD compares: South Asian, 0.0045%; no homozygotes.

Submission:

Labcorp Genetics (formerly Invitae), Labcorp
Classification: Uncertain significance for Amyotrophic lateral sclerosis type 1; Neuronopathy, distal hereditary motor, type 7B; Perry syndrome. Last evaluated: 2022-12-16. Review status: criteria provided, single submitter. Criteria: Invitae Variant Classification Sherloc (09022015). Collection method: clinical testing. Allele origin: germline.
Comment: In summary, the available evidence is currently insufficient to determine the role of this variant in disease. Therefore, it has been classified as a Variant of Uncertain Significance. Advanced modeling of protein sequence and biophysical properties (such as structural, functional, and spatial information, amino acid conservation, physicochemical variation, residue mobility, and thermodynamic stability) performed at Invitae indicates that this missense variant is not expected to disrupt DCTN1 protein function. ClinVar contains an entry for this variant (Variation ID: 856593). This variant has not been reported in the literature in individuals affected with DCTN1-related conditions. This variant is present in population databases (no rsID available, gnomAD 0.008%). This sequence change replaces alanine, which is neutral and non-polar, with valine, which is neutral and non-polar, at codon 173 of the DCTN1 protein (p.Ala173Val).

NM_004082.5(DCTN1):c.518C>T (p.Ala173Val)

Gene: DCTN1 (dynactin subunit 1; minus strand). Cytogenetic location: 2p13.1.
Variant type: single nucleotide variant.
Coding change: c.518C>T on transcript NM_004082.5 (MANE Select); coding-DNA position 518, C replaced by T.
Protein change: p.Ala173Val; replaces alanine 173 with valine.
Molecular consequence: missense variant. On other transcripts: non-coding transcript variant (1).
Genome position (GRCh38, 1-based): chr2:74,371,664, G>A on the plus strand (C>T on the coding strand, the complement: DCTN1 is on the minus strand). VCF-style: chr2-74371664-G-A. GRCh37 (hg19) VCF-style: chr2-74598791-G-A.
Other names: c.458C>T, p.Ala153Val (NM_001135040.3); c.116C>T, p.Ala39Val (NM_001135041.3, NM_023019.4); c.407C>T, p.Ala136Val (NM_001190836.2); c.497C>T, p.Ala166Val (NM_001190837.2); c.467C>T, p.Ala156Val (NM_001378991.1); c.449C>T, p.Ala150Val (NM_001378992.1); short protein forms A166V, A173V, A136V, A153V, A39V, A150V, A156V.
Identifiers: ClinVar variation 856593 (VCV000856593.10), dbSNP rs1445980252, ClinGen allele CA347367583.